The following is an entry in ClinVar:

ClinVar aggregate classification (germline): Uncertain significance (1 of 4 stars; one submission).

Conditions:
Familial thoracic aortic aneurysm and aortic dissection (TAAD). Also called: Thoracic aortic aneurysms and dissections. Identifiers: Orphanet 91387, MedGen C4707243, MONDO:0019625.

gnomAD v4.1: 1 of 1,611,520 alleles (0.000062%); highest among the groups gnomAD compares: Admixed American, 0.0017%; no homozygotes.

Submission:

All of Us Research Program, National Institutes of Health
Classification: Uncertain significance for Familial thoracic aortic aneurysm and aortic dissection. Last evaluated: 2024-08-13. Review status: criteria provided, single submitter. Criteria: ACMG Guidelines, 2015. Collection method: clinical testing. Allele origin: germline. Inheritance: Autosomal dominant inheritance. Observed: 1 variant allele, 1 heterozygote.
Comment: This missense variant replaces alanine with glycine at codon 1705 of the MYH11 protein. Computational prediction tools indicate that this variant has a neutral impact on protein structure and function. To our knowledge, functional studies have not been reported for this variant. This variant has not been reported in individuals affected with MYH11-related disorders in the literature. This variant has been identified in 1/249468 chromosomes in the general population by the Genome Aggregation Database (gnomAD). The available evidence is insufficient to determine the role of this variant in disease conclusively. Therefore, this variant is classified as a Variant of Uncertain Significance.

This study involves interpretation of variants in research participants for the purpose of population health screening. Participant phenotype was not available at the time of variant classification. Additional details can be found in publication PMID: 35346344, PMCID: PMC8962531

NM_002474.3(MYH11):c.5093C>G (p.Ala1698Gly)

Genes: MYH11 (myosin heavy chain 11; minus strand), NDE1 (nudE neurodevelopment protein 1; plus strand). Cytogenetic location: 16p13.11.
Variant type: single nucleotide variant.
Coding change: c.5093C>G on transcript NM_002474.3 (MANE Select); coding-DNA position 5093, C replaced by G.
Protein change: p.Ala1698Gly; replaces alanine 1698 with glycine.
Molecular consequence: missense variant. On other transcripts: intron variant (2).
Genome position (GRCh38, 1-based): chr16:15,719,298, G>C on the plus strand (C>G on the coding strand, the complement: MYH11 is on the minus strand). VCF-style: chr16-15719298-G-C. GRCh37 (hg19) VCF-style: chr16-15813155-G-C.
Other names: c.5114C>G, p.Ala1705Gly (NM_001040113.2, NM_001040114.2); c.5093C>G, p.Ala1698Gly (NM_022844.3); c.948-4893G>C (NM_001143979.2, NM_017668.3); short protein forms A1698G, A1705G.
Identifiers: ClinVar variation 3387170 (VCV003387170.1).